The following is an entry in ClinVar:

NM_001142800.2(EYS):c.1793G>A (p.Gly598Asp)

Gene: EYS (EGF-like photoreceptor maintenance factor; minus strand). Cytogenetic location: 6q12.
Variant type: single nucleotide variant.
Coding change: c.1793G>A on transcript NM_001142800.2 (MANE Select); coding-DNA position 1793, G replaced by A.
Protein change: p.Gly598Asp; replaces glycine 598 with aspartic acid.
Molecular consequence: missense variant.
Genome position (GRCh38, 1-based): chr6:65,296,093, C>T on the plus strand (G>A on the coding strand, the complement: EYS is on the minus strand). VCF-style: chr6-65296093-C-T. GRCh37 (hg19) VCF-style: chr6-66005986-C-T.
Other names: c.1793G>A, p.Gly598Asp (NM_001292009.2); short protein forms G598D.
Identifiers: ClinVar variation 4801369 (VCV004801369.1).

ClinVar aggregate classification (germline): Uncertain significance (1 of 4 stars; one submission).

Submission:

Labcorp Genetics (formerly Invitae), Labcorp
Classification: Uncertain significance. Last evaluated: 2025-09-09. Review status: criteria provided, single submitter. Criteria: Invitae Variant Classification Sherloc (09022015). Collection method: clinical testing. Allele origin: germline.
Comment: This sequence change replaces glycine, which is neutral and non-polar, with aspartic acid, which is acidic and polar, at codon 598 of the EYS protein (p.Gly598Asp). This variant is not present in population databases (gnomAD no frequency). This variant has not been reported in the literature in individuals affected with EYS-related conditions. Invitae Evidence Modeling of protein sequence and biophysical properties (such as structural, functional, and spatial information, amino acid conservation, physicochemical variation, residue mobility, and thermodynamic stability) indicates that this missense variant is not expected to disrupt EYS protein function with a negative predictive value of 80%. In summary, the available evidence is currently insufficient to determine the role of this variant in disease. Therefore, it has been classified as a Variant of Uncertain Significance.